The following is an entry in ClinVar:

NM_006648.4(WNK2):c.5666A>G (p.Glu1889Gly)

Gene: WNK2 (WNK lysine deficient protein kinase 2; plus strand). Cytogenetic location: 9q22.31.
Variant type: single nucleotide variant.
Coding change: c.5666A>G on transcript NM_006648.4 (MANE Select); coding-DNA position 5666, A replaced by G.
Protein change: p.Glu1889Gly; replaces glutamic acid 1889 with glycine.
Molecular consequence: missense variant.
Genome position (GRCh38, 1-based): chr9:93,293,131, A>G. VCF-style: chr9-93293131-A-G. GRCh37 (hg19) VCF-style: chr9-96055413-A-G.
Other names: c.5777A>G, p.Glu1926Gly (NM_001282394.3); short protein forms E1889G, E1926G.
Identifiers: ClinVar variation 4201651 (VCV004201651.1).
Genomic context (GRCh38, chr9:93,293,131, plus strand): 5'-GCGTGACCTCCTTCCATTCCCAGTCGTCCTACATCAGCAGCGACAATGATTCGGAGCTCG[A>G]GGATGCTGACATAAAGAAGGAGCTGCAGAGTCTGCGGGAGAAGTAGGTCCTGCGGGCAGG-3'
Protein context (NP_006639.3, residues 1879-1899): YISSDNDSEL[Glu1889Gly]DADIKKELQS

ClinVar aggregate classification (germline): Uncertain significance (1 of 4 stars; one submission).

Submission:

Ambry Genetics
Classification: Uncertain significance. Last evaluated: 2025-07-22. Review status: criteria provided, single submitter. Criteria: Ambry Variant Classification Scheme 2023. Collection method: clinical testing. Allele origin: germline.
Comment: The p.E1889G variant (also known as c.5666A>G), located in coding exon 22 of the WNK2 gene, results from an A to G substitution at nucleotide position 5666. The glutamic acid at codon 1889 is replaced by glycine, an amino acid with similar properties. This amino acid position is conserved. In addition, this alteration is predicted to be deleterious by in silico analysis. Based on the available evidence, the clinical significance of this variant remains unclear.